The following is an entry in ClinVar:

ClinVar aggregate classification (germline): Uncertain significance (1 of 4 stars; one submission).

gnomAD v4.1: 1 of 1,594,118 alleles (0.000063%); highest among the groups gnomAD compares: Non-Finnish European, 0.000085%; no homozygotes.

Submission:

Ambry Genetics
Classification: Uncertain significance. Last evaluated: 2021-10-14. Review status: criteria provided, single submitter. Criteria: Ambry Variant Classification Scheme 2023. Collection method: clinical testing. Allele origin: germline.
Comment: The p.R1070P variant (also known as c.3209G>C), located in coding exon 25 of the BUB1 gene, results from a G to C substitution at nucleotide position 3209. The arginine at codon 1070 is replaced by proline, an amino acid with dissimilar properties. This amino acid position is conserved. In addition, the in silico prediction for this alteration is inconclusive. Since supporting evidence is limited at this time, the clinical significance of this alteration remains unclear.

NM_004336.5(BUB1):c.3209G>C (p.Arg1070Pro)

Gene: BUB1 (BUB1 mitotic checkpoint serine/threonine kinase; minus strand). Cytogenetic location: 2q13.
Variant type: single nucleotide variant.
Coding change: c.3209G>C on transcript NM_004336.5 (MANE Select); coding-DNA position 3209, G replaced by C.
Protein change: p.Arg1070Pro; replaces arginine 1070 with proline.
Molecular consequence: missense variant.
Genome position (GRCh38, 1-based): chr2:110,638,013, C>G on the plus strand (G>C on the coding strand, the complement: BUB1 is on the minus strand). VCF-style: chr2-110638013-C-G. GRCh37 (hg19) VCF-style: chr2-111395590-C-G.
Other names: c.3149G>C, p.Arg1050Pro (NM_001278616.2); c.3038G>C, p.Arg1013Pro (NM_001278617.2); short protein forms R1013P, R1050P, R1070P.
Identifiers: ClinVar variation 1728893 (VCV001728893.2), dbSNP rs765636832, ClinGen allele CA348088304.